The following is an entry in ClinVar:

NM_005051.3(QARS1):c.1864-3T>G

Gene: QARS1 (glutaminyl-tRNA synthetase 1; minus strand). Cytogenetic location: 3p21.31.
Variant type: single nucleotide variant.
Coding change: c.1864-3T>G on transcript NM_005051.3 (MANE Select); 3 bases into the intron before coding-DNA position 1864, T replaced by G.
Molecular consequence: intron variant.
Genome position (GRCh38, 1-based): chr3:49,098,695, A>C on the plus strand (T>G on the coding strand, the complement: QARS1 is on the minus strand). VCF-style: chr3-49098695-A-C. GRCh37 (hg19) VCF-style: chr3-49136128-A-C.
Other names: c.1831-3T>G (NM_001272073.2).
Identifiers: ClinVar variation 2087586 (VCV002087586.4), dbSNP rs2471844825, ClinGen allele CA2580070015.

ClinVar aggregate classification (germline): Uncertain significance (1 of 4 stars; one submission).

Conditions:
Diffuse cerebral and cerebellar atrophy - intractable seizures - progressive microcephaly syndrome. Also called: Microcephaly, progressive, with seizures and cerebral and cerebellar atrophy. Identifiers: Orphanet 404437, MedGen C4014239, MONDO:0014335, OMIM 615760.

Submission:

Labcorp Genetics (formerly Invitae), Labcorp
Classification: Uncertain significance for Diffuse cerebral and cerebellar atrophy - intractable seizures - progressive microcephaly syndrome. Last evaluated: 2022-08-16. Review status: criteria provided, single submitter. Criteria: Invitae Variant Classification Sherloc (09022015). Collection method: clinical testing. Allele origin: germline.
Comment: Variants that disrupt the consensus splice site are a relatively common cause of aberrant splicing (PMID: 17576681, 9536098). Algorithms developed to predict the effect of sequence changes on RNA splicing suggest that this variant may create or strengthen a splice site. In summary, the available evidence is currently insufficient to determine the role of this variant in disease. Therefore, it has been classified as a Variant of Uncertain Significance. This variant has not been reported in the literature in individuals affected with QARS-related conditions. This sequence change falls in intron 19 of the QARS gene. It does not directly change the encoded amino acid sequence of the QARS protein. It affects a nucleotide within the consensus splice site. This variant is not present in population databases (gnomAD no frequency).

Literature cited by the submitters: PubMed 17576681; PubMed 9536098.